The following is an entry in ClinVar:

ClinVar aggregate classification (germline): Likely benign. Review status: criteria provided, multiple submitters, no conflicts (2 of 4 stars). 4 submissions from 4 submitters: Likely benign (4). Last evaluated 2026-01-15.

Conditions:
Hypogonadotropic hypogonadism 7 with or without anosmia (HH7). Also called: GNRHR-Related GnRH Deficiency; HYPOGONADOTROPIC HYPOGONADISM 7 WITHOUT ANOSMIA. Identifiers: Orphanet 432, MedGen C0342384, MONDO:0007794, OMIM 146110.

Allele frequency attached by ClinVar (database versions not stated): 1000 Genomes Project 30x 0.00141; 1000 Genomes Project 0.00160; ExAC 0.00334; gnomAD exomes 0.00446 and 0.00672; TOPMed 0.00462; gnomAD 0.00485 and 0.00504.
gnomAD v4.1: 9,947 of 1,536,374 alleles (0.65%); highest among the groups gnomAD compares: Non-Finnish European, 0.77%; 48 homozygotes.

Submissions (4):

Labcorp Genetics (formerly Invitae), Labcorp
Classification: Likely benign. Last evaluated: 2026-01-15. Review status: criteria provided, single submitter. Criteria: Invitae Variant Classification Sherloc (09022015). Collection method: clinical testing. Allele origin: germline.

CeGaT Center for Human Genetics Tuebingen
Classification: Likely benign. Last evaluated: 2025-03-01. Review status: criteria provided, single submitter. Criteria: CeGaT Center For Human Genetics Tuebingen Variant Classification Criteria Version 2. Collection method: clinical testing. Allele origin: germline. Affected: yes. Observed: 3 variant alleles.
Comment: CCDC141: BP4, BS2; ENSG00000287149: BS2

Fulgent Genetics
Classification: Likely benign for Hypogonadotropic hypogonadism 7 with or without anosmia. Last evaluated: 2021-08-14. Review status: criteria provided, single submitter. Criteria: ACMG Guidelines, 2015. Collection method: clinical testing. Allele origin: unknown.

Breakthrough Genomics
Classification: Likely benign. Review status: criteria provided, single submitter. Criteria: ACMG Guidelines, 2015. Collection method: not provided. Allele origin: germline. Inheritance: Unknown mechanism. Affected: yes.

NM_173648.4(CCDC141):c.4369G>A (p.Val1457Ile)

Gene: CCDC141 (coiled-coil domain containing 141; minus strand). Cytogenetic location: 2q31.2.
Variant type: single nucleotide variant.
Coding change: c.4369G>A on transcript NM_173648.4 (MANE Select); coding-DNA position 4369, G replaced by A.
Protein change: p.Val1457Ile; replaces valine 1457 with isoleucine.
Molecular consequence: missense variant.
Genome position (GRCh38, 1-based): chr2:178,834,397, C>T on the plus strand (G>A on the coding strand, the complement: CCDC141 is on the minus strand). VCF-style: chr2-178834397-C-T. GRCh37 (hg19) VCF-style: chr2-179699124-C-T.
Other names: short protein forms V1457I.
Identifiers: ClinVar variation 773847 (VCV000773847.34), dbSNP rs145610810, ClinGen allele CA2006497.
Genomic context (GRCh38, chr2:178,834,397, plus strand): 5'-CTGCGTCTGCCTTGCATACCTTTGGAATGAACACCGAATGCCTTGTCTCCTTGTGTAAAA[C>T]CTGTAAGTGCCCATCTGCAGACAATTTCTGGCCCTTCTTGTACCTGAAGCAGAGAGGCAG-3'
Protein context (NP_775919.3, residues 1447-1467): QKLSADGHLQ[Val1457Ile]LHKETRHSVF